The following is an entry in ClinVar:

ClinVar aggregate classification (germline): Likely benign (1 of 4 stars; one submission).

Conditions:
SCAPER-related disorder. Also called: SCAPER-related condition.

gnomAD v4.1: 21 of 1,563,980 alleles (0.0013%); highest among the groups gnomAD compares: Admixed American, 0.0093%; no homozygotes.

Submission:

PreventionGenetics, part of Exact Sciences
Classification: Likely benign for SCAPER-related condition. Last evaluated: 2026-09-24. Review status: criteria provided, single submitter. Criteria: ACMG Guidelines, 2015. Collection method: clinical testing. Allele origin: germline.
Comment: This variant is classified as likely benign based on ACMG/AMP sequence variant interpretation guidelines (Richards et al. 2015 PMID: 25741868, with internal and published modifications).

NM_020843.4(SCAPER):c.2214T>A (p.Ala738=)

Gene: SCAPER (S-phase cyclin A associated protein in the ER; minus strand). Cytogenetic location: 15q24.3.
Variant type: single nucleotide variant.
Coding change: c.2214T>A on transcript NM_020843.4 (MANE Select); coding-DNA position 2214, T replaced by A.
Protein change: p.Ala738=; no amino-acid change (alanine 738 retained).
Molecular consequence: synonymous variant. On other transcripts: non-coding transcript variant (1).
Genome position (GRCh38, 1-based): chr15:76,705,936, A>T on the plus strand (T>A on the coding strand, the complement: SCAPER is on the minus strand). VCF-style: chr15-76705936-A-T. GRCh37 (hg19) VCF-style: chr15-76998277-A-T.
Other names: c.1476T>A, p.Ala492= (NM_001145923.2); c.2232T>A, p.Ala744= (NM_001353009.2); c.1812T>A, p.Ala604= (NM_001353010.2, NM_001353012.2); c.1830T>A, p.Ala610= (NM_001353011.2).
Identifiers: ClinVar variation 4978527 (VCV004978527.1).